The following is an entry in ClinVar:

NM_033109.5(PNPT1):c.453+210A>G

Gene: PNPT1 (polyribonucleotide nucleotidyltransferase 1; minus strand). Cytogenetic location: 2p16.1.
Variant type: single nucleotide variant.
Coding change: c.453+210A>G on transcript NM_033109.5 (MANE Select); 210 bases into the intron after coding-DNA position 453, A replaced by G.
Molecular consequence: intron variant.
Genome position (GRCh38, 1-based): chr2:55,683,575, T>C on the plus strand (A>G on the coding strand, the complement: PNPT1 is on the minus strand). VCF-style: chr2-55683575-T-C. GRCh37 (hg19) VCF-style: chr2-55910710-T-C.
Identifiers: ClinVar variation 683552 (VCV000683552.1), dbSNP rs7586366, ClinGen allele CA11068354.

ClinVar aggregate classification (germline): Benign (1 of 4 stars; one submission).

Allele frequency attached by ClinVar (database versions not stated): 1000 Genomes Project 0.14716; gnomAD 0.14912 and 0.15545; 1000 Genomes Project 30x 0.14975; TOPMed 0.15692.
gnomAD v4.1: 21,737 of 146,718 alleles (15%); highest among the groups gnomAD compares: African/African-American, 37%; 2,982 homozygotes.

Submission:

GeneDx
Classification: Benign. Last evaluated: 2018-06-19. Review status: criteria provided, single submitter. Criteria: GeneDx Variant Classification (06012015). Collection method: clinical testing. Allele origin: germline. Affected: yes.
Comment: This variant is considered likely benign or benign based on one or more of the following criteria: it is a conservative change, it occurs at a poorly conserved position in the protein, it is predicted to be benign by multiple in silico algorithms, and/or has population frequency not consistent with disease.